The following is an entry in ClinVar:

ClinVar aggregate classification (germline): Benign (0 of 4 stars; one submission).

Conditions:
ITPR3-related disorder. Also called: ITPR3-related condition.

Allele frequency attached by ClinVar (database versions not stated): gnomAD exomes 0.00026; gnomAD 0.00043; TOPMed 0.00063; ExAC 0.00133; 1000 Genomes Project 0.00260; 1000 Genomes Project 30x 0.00297.
gnomAD v4.1: 447 of 1,614,194 alleles (0.028%); highest among the groups gnomAD compares: East Asian, 0.93%; 5 homozygotes.

Submission:

PreventionGenetics, part of Exact Sciences
Classification: Benign for ITPR3-related condition. Last evaluated: 2019-08-09. Review status: no assertion criteria provided. Collection method: clinical testing. Allele origin: germline.
Comment: This variant is classified as benign based on ACMG/AMP sequence variant interpretation guidelines (Richards et al. 2015 PMID: 25741868, with internal and published modifications).

NM_002224.4(ITPR3):c.5937C>T (p.Ser1979=)

Gene: ITPR3 (inositol 1,4,5-trisphosphate receptor type 3; plus strand). Cytogenetic location: 6p21.31.
Variant type: single nucleotide variant.
Coding change: c.5937C>T on transcript NM_002224.4 (MANE Select); coding-DNA position 5937, C replaced by T.
Protein change: p.Ser1979=; no amino-acid change (serine 1979 retained).
Molecular consequence: synonymous variant.
Genome position (GRCh38, 1-based): chr6:33,686,477, C>T. VCF-style: chr6-33686477-C-T. GRCh37 (hg19) VCF-style: chr6-33654254-C-T.
Identifiers: ClinVar variation 3037888 (VCV003037888.2), dbSNP rs180718678, ClinGen allele CA3761715.